The following is an entry in ClinVar:

ClinVar aggregate classification (germline): Uncertain significance (1 of 4 stars; one submission).

Conditions:
Early Myoclonic Encephalopathy. Identifiers: MedGen C0270855.

Submission:

Labcorp Genetics (formerly Invitae), Labcorp
Classification: Uncertain significance for Early Myoclonic Encephalopathy. Last evaluated: 2020-01-27. Review status: criteria provided, single submitter. Criteria: Invitae Variant Classification Sherloc (09022015). Collection method: clinical testing. Allele origin: germline.
Comment: This sequence change replaces serine with arginine at codon 2384 of the JMJD1C protein (p.Ser2384Arg). The serine residue is highly conserved and there is a moderate physicochemical difference between serine and arginine. This variant is not present in population databases (ExAC no frequency). This variant has not been reported in the literature in individuals with JMJD1C-related conditions. Algorithms developed to predict the effect of missense changes on protein structure and function are either unavailable or do not agree on the potential impact of this missense change (SIFT: "Deleterious"; PolyPhen-2: "Possibly Damaging"; Align-GVGD: "Class C0"). In summary, the available evidence is currently insufficient to determine the role of this variant in disease. Therefore, it has been classified as a Variant of Uncertain Significance.

NM_032776.3(JMJD1C):c.7152T>A (p.Ser2384Arg)

Gene: JMJD1C (jumonji domain containing 1C; minus strand). Cytogenetic location: 10q21.3.
Variant type: single nucleotide variant.
Coding change: c.7152T>A on transcript NM_032776.3 (MANE Select); coding-DNA position 7152, T replaced by A.
Protein change: p.Ser2384Arg; replaces serine 2384 with arginine.
Molecular consequence: missense variant. On other transcripts: non-coding transcript variant (1).
Genome position (GRCh38, 1-based): chr10:63,177,789, A>T on the plus strand (T>A on the coding strand, the complement: JMJD1C is on the minus strand). VCF-style: chr10-63177789-A-T. GRCh37 (hg19) VCF-style: chr10-64937549-A-T.
Other names: c.6606T>A, p.Ser2202Arg (NM_001282948.2, NM_001318154.2); c.6288T>A, p.Ser2096Arg (NM_001318153.2); c.7038T>A, p.Ser2346Arg (NM_001322252.2); c.6495T>A, p.Ser2165Arg (NM_001322254.2, NM_001322258.2); short protein forms S2096R, S2165R, S2202R, S2346R, S2384R.
Identifiers: ClinVar variation 1015787 (VCV001015787.9), dbSNP rs1842989009, ClinGen allele CA377019864.